The following is an entry in ClinVar:

NM_182914.3(SYNE2):c.7913C>T (p.Thr2638Ile)

Gene: SYNE2 (spectrin repeat containing nuclear envelope protein 2; plus strand). Cytogenetic location: 14q23.2.
Variant type: single nucleotide variant.
Coding change: c.7913C>T on transcript NM_182914.3 (MANE Select); coding-DNA position 7913, C replaced by T.
Protein change: p.Thr2638Ile; replaces threonine 2638 with isoleucine.
Molecular consequence: missense variant.
Genome position (GRCh38, 1-based): chr14:64,051,826, C>T. VCF-style: chr14-64051826-C-T. GRCh37 (hg19) VCF-style: chr14-64518544-C-T.
Other names: c.7913C>T, p.Thr2638Ile (NM_015180.6); short protein forms T2638I.
Identifiers: ClinVar variation 4729160 (VCV004729160.1).

ClinVar aggregate classification (germline): Uncertain significance (1 of 4 stars; one submission).

Conditions:
Emery-Dreifuss muscular dystrophy 5, autosomal dominant (EDMD5). Also called: EMERY-DREIFUSS MUSCULAR DYSTROPHY 5. Identifiers: Orphanet 261, MedGen C2751805, MONDO:0013072, OMIM 612999.

gnomAD v4.1: 4 of 1,614,096 alleles (0.00025%); highest among the groups gnomAD compares: Non-Finnish European, 0.00034%; no homozygotes.

Submission:

Labcorp Genetics (formerly Invitae), Labcorp
Classification: Uncertain significance for Emery-Dreifuss muscular dystrophy 5, autosomal dominant. Last evaluated: 2025-12-20. Review status: criteria provided, single submitter. Criteria: Invitae Variant Classification Sherloc (09022015). Collection method: clinical testing. Allele origin: germline.
Comment: This sequence change replaces threonine, which is neutral and polar, with isoleucine, which is neutral and non-polar, at codon 2638 of the SYNE2 protein (p.Thr2638Ile). This variant is present in population databases (rs777796361, gnomAD 0.0009%). This variant has not been reported in the literature in individuals affected with SYNE2-related conditions. An algorithm developed to predict the effect of missense changes on protein structure and function outputs the following: PolyPhen-2: "Benign". The isoleucine amino acid residue is found in multiple mammalian species, which suggests that this missense change does not adversely affect protein function. In summary, the available evidence is currently insufficient to determine the role of this variant in disease. Therefore, it has been classified as a Variant of Uncertain Significance.